The following is an entry in ClinVar:

NM_153717.3(EVC):c.772T>C (p.Tyr258His)

Gene: EVC (EvC ciliary complex subunit 1; plus strand). Cytogenetic location: 4p16.2.
Variant type: single nucleotide variant.
Coding change: c.772T>C on transcript NM_153717.3 (MANE Select); coding-DNA position 772, T replaced by C.
Protein change: p.Tyr258His; replaces tyrosine 258 with histidine.
Molecular consequence: missense variant.
Genome position (GRCh38, 1-based): chr4:5,741,785, T>C. VCF-style: chr4-5741785-T-C. GRCh37 (hg19) VCF-style: chr4-5743512-T-C.
Other names: c.772T>C, p.Tyr258His (NM_001306090.2, NM_001306092.2); short protein forms Y258H.
Identifiers: ClinVar variation 198282 (VCV000198282.32), dbSNP rs6414624, ClinGen allele CA203346.

ClinVar aggregate classification (germline): Benign. Review status: criteria provided, multiple submitters, no conflicts (2 of 4 stars). 14 submissions from 13 submitters: Benign (11). 3 of the submissions do not count toward it. Last evaluated 2026-05-08.

Conditions:
Curry-Hall syndrome (WAD). Also called: WEYERS ACRODENTAL DYSOSTOSIS. Identifiers: Orphanet 952, MedGen C0457013, MONDO:0008673, OMIM 193530.
Ellis-van Creveld syndrome (EVC). Also called: Chondroectodermal dysplasia; MESOECTODERMAL DYSPLASIA. Identifiers: Orphanet 289, MedGen C0013903, MONDO:0009162, OMIM 225500.

Allele frequency attached by ClinVar (database versions not stated): ESP Exome Variant Server 0.70694; TOPMed 0.71305; gnomAD 0.72068 and 0.72808; 1000 Genomes Project 30x 0.73844; 1000 Genomes Project 0.74481; ExAC 0.79506; gnomAD exomes 0.79673 and 0.79805.
gnomAD v4.1: 1,216,884 of 1,539,220 alleles (79%); highest among the groups gnomAD compares: East Asian, 91%; 485,523 homozygotes.

Submissions (14):

Women's Health and Genetics/Laboratory Corporation of America, LabCorp
Classification: Benign. Last evaluated: 2026-05-08. Review status: criteria provided, single submitter. Criteria: LabCorp Variant Classification Summary - May 2015. Collection method: clinical testing. Allele origin: germline.

Labcorp Genetics (formerly Invitae), Labcorp
Classification: Benign for Curry-Hall syndrome; Ellis-van Creveld syndrome. Last evaluated: 2026-02-04. Review status: criteria provided, single submitter. Criteria: Invitae Variant Classification Sherloc (09022015). Collection method: clinical testing. Allele origin: germline.

Blueprint Genetics
Classification: Benign. Last evaluated: 2024-11-26. Review status: criteria provided, single submitter. Criteria: ACMG Guidelines, 2015. Collection method: clinical testing. Allele origin: germline.

Genome-Nilou Lab
Classification: Benign for Curry-Hall syndrome. Last evaluated: 2021-07-30. Review status: criteria provided, single submitter. Criteria: ACMG Guidelines, 2015. Collection method: clinical testing. Allele origin: germline. Affected: no.

Genome-Nilou Lab
Classification: Benign for Ellis-van Creveld syndrome. Last evaluated: 2021-07-30. Review status: criteria provided, single submitter. Criteria: ACMG Guidelines, 2015. Collection method: clinical testing. Allele origin: germline. Affected: no.

Pars Genome Lab
Classification: Benign for Ellis-van Creveld syndrome. Last evaluated: 2021-06-15. Review status: criteria provided, single submitter. Criteria: ACMG Guidelines, 2015. Collection method: clinical testing. Allele origin: germline. Affected: no.

Illumina Laboratory Services, Illumina
Classification: Benign for Ellis-van Creveld syndrome. Last evaluated: 2018-01-12. Review status: criteria provided, single submitter. Criteria: ICSL Variant Classification Criteria 13 December 2019. Collection method: clinical testing. Allele origin: germline.
Comment: This variant was observed in the ICSL laboratory as part of a predisposition screen in an ostensibly healthy population. It had not been previously curated by ICSL or reported in the Human Gene Mutation Database (HGMD: prior to June 1st, 2018), and was therefore a candidate for classification through an automated scoring system. Utilizing variant allele frequency, disease prevalence and penetrance estimates, and inheritance mode, an automated score was calculated to assess if this variant is too frequent to cause the disease. Based on the score and internal cut-off values, a variant classified as benign is not then subjected to further curation. The score for this variant resulted in a classification of benign for this disease.

GeneDx
Classification: Benign. Last evaluated: 2016-03-03. Review status: criteria provided, single submitter. Criteria: GeneDx Variant Classification (06012015). Collection method: clinical testing. Allele origin: germline. Affected: yes.
Comment: This variant is considered likely benign or benign based on one or more of the following criteria: it is a conservative change, it occurs at a poorly conserved position in the protein, it is predicted to be benign by multiple in silico algorithms, and/or has population frequency not consistent with disease.

Eurofins Ntd Llc (ga)
Classification: Benign. Last evaluated: 2015-05-20. Review status: criteria provided, single submitter. Criteria: EGL Classification Definitions 2015. Collection method: clinical testing. Allele origin: germline. Observed: 1 variant allele, 1 heterozygote.

Breakthrough Genomics
Classification: Benign. Review status: criteria provided, single submitter. Criteria: ACMG Guidelines, 2015. Collection method: not provided. Allele origin: germline. Inheritance: Autosomal recessive inheritance. Affected: yes.

PreventionGenetics, part of Exact Sciences
Classification: Benign. Review status: criteria provided, single submitter. Criteria: ACMG Guidelines, 2015. Collection method: clinical testing. Allele origin: germline.

Natera, Inc.
Classification: Benign for Ellis-van Creveld syndrome. Last evaluated: 2020-09-16. Review status: no assertion criteria provided. Collection method: clinical testing. Allele origin: germline. Not counted in ClinVar's aggregate classification.

Diagnostic Laboratory, Department of Genetics, University Medical Center Groningen
Classification: Benign. Review status: no assertion criteria provided. Collection method: clinical testing. Allele origin: germline. Affected: yes. Study: VKGL Data-share Consensus. Not counted in ClinVar's aggregate classification.

Joint Genome Diagnostic Labs from Nijmegen and Maastricht, Radboudumc and MUMC+
Classification: Benign. Review status: no assertion criteria provided. Collection method: clinical testing. Allele origin: germline. Affected: yes. Study: VKGL Data-share Consensus. Not counted in ClinVar's aggregate classification.